The following is an entry in ClinVar:

NM_014319.5(LEMD3):c.731T>A (p.Val244Glu)

Gene: LEMD3 (LEM domain containing 3; plus strand). Cytogenetic location: 12q14.3.
Variant type: single nucleotide variant.
Coding change: c.731T>A on transcript NM_014319.5 (MANE Select); coding-DNA position 731, T replaced by A.
Protein change: p.Val244Glu; replaces valine 244 with glutamic acid.
Molecular consequence: missense variant.
Genome position (GRCh38, 1-based): chr12:65,170,327, T>A. VCF-style: chr12-65170327-T-A. GRCh37 (hg19) VCF-style: chr12-65564107-T-A.
Other names: c.731T>A, p.Val244Glu (NM_001167614.2); short protein forms V244E.
Identifiers: ClinVar variation 2792865 (VCV002792865.3), dbSNP rs1381244492, ClinGen allele CA385673836.
Genomic context (GRCh38, chr12:65,170,327, plus strand): 5'-GAGAGGACGGTGAGGAGAGGGACCCGGAGACCGAGGAGCCGCTCTGGGCGAGCCGGACCG[T>A]GAATGGCAGCCGGCTTGTCCCCTACAGCTGCCGGGAAAACTATTCGGACTCAGAGGAAGA-3'
Protein context (NP_055134.2, residues 234-254): TEEPLWASRT[Val244Glu]NGSRLVPYSC

ClinVar aggregate classification (germline): Uncertain significance (1 of 4 stars; one submission).

Allele frequency attached by ClinVar (database versions not stated): TOPMed below 0.00001; gnomAD 0.00001.
gnomAD v4.1: 1 of 1,602,620 alleles (0.000062%); highest among the groups gnomAD compares: Non-Finnish European, 0.000085%; no homozygotes.

Submission:

Labcorp Genetics (formerly Invitae), Labcorp
Classification: Uncertain significance. Last evaluated: 2023-03-01. Review status: criteria provided, single submitter. Criteria: Invitae Variant Classification Sherloc (09022015). Collection method: clinical testing. Allele origin: germline.
Comment: In summary, the available evidence is currently insufficient to determine the role of this variant in disease. Therefore, it has been classified as a Variant of Uncertain Significance. This sequence change replaces valine, which is neutral and non-polar, with glutamic acid, which is acidic and polar, at codon 244 of the LEMD3 protein (p.Val244Glu). This variant is not present in population databases (gnomAD no frequency). This variant has not been reported in the literature in individuals affected with LEMD3-related conditions. Advanced modeling of protein sequence and biophysical properties (such as structural, functional, and spatial information, amino acid conservation, physicochemical variation, residue mobility, and thermodynamic stability) has been performed at Invitae for this missense variant, however the output from this modeling did not meet the statistical confidence thresholds required to predict the impact of this variant on LEMD3 protein function.